The following is an entry in ClinVar:

NM_001009944.3(PKD1):c.8013C>T (p.Cys2671=)

Gene: PKD1 (polycystin 1, transient receptor potential channel interacting; minus strand). Cytogenetic location: 16p13.3.
Variant type: single nucleotide variant.
Coding change: c.8013C>T on transcript NM_001009944.3 (MANE Select); coding-DNA position 8013, C replaced by T.
Protein change: p.Cys2671=; no amino-acid change (cysteine 2671 retained).
Molecular consequence: synonymous variant.
Genome position (GRCh38, 1-based): chr16:2,105,325, G>A on the plus strand (C>T on the coding strand, the complement: PKD1 is on the minus strand). VCF-style: chr16-2105325-G-A. GRCh37 (hg19) VCF-style: chr16-2155326-G-A.
Other names: c.8013C>T, p.Cys2671= (NM_000296.4).
Identifiers: ClinVar variation 3359938 (VCV003359938.1).
Genomic context (GRCh38, chr16:2,105,325, plus strand): 5'-TGAACCCAGTGCCCTGGCAGGCATGCGGGGCAGGGTGAGCAGGTGGGGCCATCCTACCAT[G>A]CACTGGGCCAGCGCAGCAGCGATCTGCTGGATGTCATCCACAGTGTGGACCCTCAGGGAC-3'
Protein context (NP_001009944.3, residues 2661-2681): IQQIAAALAQ[Cys2671=]MGPSRELVCR

ClinVar aggregate classification (germline): Uncertain significance (1 of 4 stars; one submission).

gnomAD v4.1: 23 of 1,594,150 alleles (0.0014%); highest among the groups gnomAD compares: East Asian, 0.051%; no homozygotes.

Submission:

GeneDx
Classification: Uncertain significance. Last evaluated: 2023-06-28. Review status: criteria provided, single submitter. Criteria: GeneDx Variant Classification Process June 2021. Collection method: clinical testing. Allele origin: germline. Affected: yes.
Comment: Has not been previously published as pathogenic or benign to our knowledge; In silico analysis suggests this variant may impact gene splicing. In the absence of RNA/functional studies, the actual effect of this sequence change is unknown.